The following is an entry in ClinVar:

ClinVar aggregate classification (germline): Uncertain significance (1 of 4 stars; one submission).

Conditions:
Early-infantile DEE. Also called: Early infantile epileptic encephalopathy with suppression bursts; Early infantile epileptic encephalopathy; Ohtahara syndrome. Identifiers: Orphanet 1934, MedGen C0393706, MONDO:0800491.

gnomAD v4.1: 16 of 1,614,098 alleles (0.00099%); highest among the groups gnomAD compares: African/African-American, 0.0027%; no homozygotes.

Submission:

Labcorp Genetics (formerly Invitae), Labcorp
Classification: Uncertain significance for Early-infantile DEE. Last evaluated: 2025-05-21. Review status: criteria provided, single submitter. Criteria: Invitae Variant Classification Sherloc (09022015). Collection method: clinical testing. Allele origin: germline.
Comment: This sequence change replaces aspartic acid, which is acidic and polar, with asparagine, which is neutral and polar, at codon 134 of the GNAO1 protein (p.Asp134Asn). This variant is present in population databases (no rsID available, gnomAD 0.0009%). This variant has not been reported in the literature in individuals affected with GNAO1-related conditions. Invitae Evidence Modeling of protein sequence and biophysical properties (such as structural, functional, and spatial information, amino acid conservation, physicochemical variation, residue mobility, and thermodynamic stability) indicates that this missense variant is expected to disrupt GNAO1 protein function with a positive predictive value of 80%. In summary, the available evidence is currently insufficient to determine the role of this variant in disease. Therefore, it has been classified as a Variant of Uncertain Significance.

NM_020988.3(GNAO1):c.400G>A (p.Asp134Asn)

Gene: GNAO1 (G protein subunit alpha o1; plus strand). Cytogenetic location: 16q13.
Variant type: single nucleotide variant.
Coding change: c.400G>A on transcript NM_020988.3 (MANE Select); coding-DNA position 400, G replaced by A.
Protein change: p.Asp134Asn; replaces aspartic acid 134 with asparagine.
Molecular consequence: missense variant.
Genome position (GRCh38, 1-based): chr16:56,328,727, G>A. VCF-style: chr16-56328727-G-A. GRCh37 (hg19) VCF-style: chr16-56362639-G-A.
Other names: c.400G>A, p.Asp134Asn (NM_138736.3); short protein forms D134N.
Identifiers: ClinVar variation 4712084 (VCV004712084.1).
Genomic context (GRCh38, chr16:56,328,727, plus strand): 5'-ATGGAAGACACCGAGCCCTTCTCTGCAGAGCTGCTTTCTGCCATGATGCGGCTCTGGGGC[G>A]ACTCAGGAATCCAAGAGTGCTTCAACCGGTCCCGGGAGTATCAGCTCAACGACTCTGCCA-3'
Protein context (NP_066268.1, residues 124-144): LLSAMMRLWG[Asp134Asn]SGIQECFNRS